The following is an entry in ClinVar:

ClinVar aggregate classification (germline): Conflicting classifications of pathogenicity. Review status: criteria provided, conflicting classifications (1 of 4 stars). 3 submissions from 3 submitters: Uncertain significance (2); Likely benign (1). Last evaluated 2024-04-29.

Conditions:
Hereditary breast ovarian cancer syndrome. Also called: Hereditary breast and ovarian cancer syndrome (HBOC); Hereditary breast and ovarian cancer syndrome; Breast and ovarian cancer; BRCA1- and BRCA2-Associated Hereditary Breast and Ovarian Cancer; Hereditary breast and ovarian cancer; Hereditary breast and/or ovarian cancer syndrome. Identifiers: Orphanet 145, MedGen C0677776, MeSH D061325, MONDO:0003582. Disease mechanism: loss of function.
Hereditary cancer-predisposing syndrome. Also called: Neoplastic Syndromes, Hereditary; Hereditary Cancer Syndrome; Hereditary neoplastic syndrome; Tumor predisposition. Identifiers: Orphanet 140162, MedGen C0027672, MeSH D009386, MONDO:0015356.

Submissions (3):

Labcorp Genetics (formerly Invitae), Labcorp
Classification: Uncertain significance for Hereditary breast ovarian cancer syndrome. Last evaluated: 2024-04-29. Review status: criteria provided, single submitter. Criteria: Invitae Variant Classification Sherloc (09022015). Collection method: clinical testing. Allele origin: germline.
Comment: This sequence change replaces lysine, which is basic and polar, with asparagine, which is neutral and polar, at codon 339 of the BRCA1 protein (p.Lys339Asn). This variant is not present in population databases (gnomAD no frequency). This variant has not been reported in the literature in individuals affected with BRCA1-related conditions. ClinVar contains an entry for this variant (Variation ID: 479262). Advanced modeling of protein sequence and biophysical properties (such as structural, functional, and spatial information, amino acid conservation, physicochemical variation, residue mobility, and thermodynamic stability) performed at Invitae indicates that this missense variant is not expected to disrupt BRCA1 protein function with a negative predictive value of 95%. In summary, the available evidence is currently insufficient to determine the role of this variant in disease. Therefore, it has been classified as a Variant of Uncertain Significance.

University of Washington Department of Laboratory Medicine, University of Washington
Classification: Likely benign for Hereditary cancer-predisposing syndrome. Last evaluated: 2023-03-23. Review status: criteria provided, single submitter. Criteria: Dines et al. (Genet Med. 2020). Collection method: curation. Allele origin: germline.
Comment: Missense variant in a coldspot region where missense variants are very unlikely to be pathogenic (PMID:31911673).

BRCA1 coldspot (exon 11 using historical exon numbering). Reclassification based on statistical prior probability

Ambry Genetics
Classification: Uncertain significance for Hereditary cancer-predisposing syndrome. Last evaluated: 2017-05-31. Review status: criteria provided, single submitter. Criteria: Ambry Variant Classification Scheme 2023. Collection method: clinical testing. Allele origin: germline.
Comment: The p.K339N variant (also known as c.1017G>T), located in coding exon 9 of the BRCA1 gene, results from a G to T substitution at nucleotide position 1017. The lysine at codon 339 is replaced by asparagine, an amino acid with similar properties. This amino acid position is not well conserved in available vertebrate species. In addition, the in silico prediction for this alteration is inconclusive. Since supporting evidence is limited at this time, the clinical significance of this alteration remains unclear.

NM_007294.4(BRCA1):c.1017G>T (p.Lys339Asn)

Gene: BRCA1 (BRCA1 DNA repair associated; minus strand). Cytogenetic location: 17q21.31.
Variant type: single nucleotide variant.
Coding change: c.1017G>T on transcript NM_007294.4 (MANE Select); coding-DNA position 1017, G replaced by T.
Protein change: p.Lys339Asn; replaces lysine 339 with asparagine.
Molecular consequence: missense variant. On other transcripts: intron variant (137).
Genome position (GRCh38, 1-based): chr17:43,094,514, C>A on the plus strand (G>T on the coding strand, the complement: BRCA1 is on the minus strand). VCF-style: chr17-43094514-C-A. GRCh37 (hg19) VCF-style: chr17-41246531-C-A.
Other names: c.873G>T, p.Lys291Asn (NM_001407742.1, NM_001407743.1, NM_001407749.1 and 20 more transcripts); c.876G>T, p.Lys292Asn (NM_001407750.1, NM_001407751.1, NM_001407692.1 and 29 more transcripts); c.787+230G>T (NM_001407971.1, NM_001407981.1, NM_007298.4 and 19 more transcripts); c.790+227G>T (NM_001408406.1); c.646+230G>T (NM_001408456.1, NM_001408410.1, NM_001408458.1 and 11 more transcripts); c.643+230G>T (NM_001408465.1, NM_001408463.1, NM_001408462.1 and 3 more transcripts); c.577+230G>T (NM_001408482.1, NM_001408484.1, NM_001408478.1 and 9 more transcripts); c.520+230G>T (NM_001408504.1, NM_001408503.1, NM_001408505.1); and 40 more; short protein forms K339N, K292N, K228N, K272N, K298N, K312N, K171N, K212N.
Identifiers: ClinVar variation 479262 (VCV000479262.13), dbSNP rs863224416, ClinGen allele CA10600025.